The following is an entry in ClinVar:

ClinVar aggregate classification (germline): Uncertain significance (1 of 4 stars; one submission).

Conditions:
Intellectual developmental disorder, X-linked, syndromic, Hedera type. Also called: Syndromic X-linked intellectual disability Hedera type. Identifiers: Orphanet 93952, MedGen C1845543, MONDO:0010319, OMIM 300423.

Submission:

Labcorp Genetics (formerly Invitae), Labcorp
Classification: Uncertain significance for Intellectual developmental disorder, X-linked, syndromic, Hedera type. Last evaluated: 2024-01-25. Review status: criteria provided, single submitter. Criteria: Invitae Variant Classification Sherloc (09022015). Collection method: clinical testing. Allele origin: germline.
Comment: This sequence change falls in intron 2 of the ATP6AP2 gene. It does not directly change the encoded amino acid sequence of the ATP6AP2 protein. It affects a nucleotide within the consensus splice site. This variant is not present in population databases (gnomAD no frequency). This variant has not been reported in the literature in individuals affected with ATP6AP2-related conditions. Variants that disrupt the consensus splice site are a relatively common cause of aberrant splicing (PMID: 17576681, 9536098). Algorithms developed to predict the effect of sequence changes on RNA splicing suggest that this variant is not likely to affect RNA splicing. In summary, the available evidence is currently insufficient to determine the role of this variant in disease. Therefore, it has been classified as a Variant of Uncertain Significance.

Literature cited by the submitters: PubMed 17576681; PubMed 9536098.

NM_005765.3(ATP6AP2):c.168+3A>G

Gene: ATP6AP2 (ATPase H+ transporting accessory protein 2; plus strand). Cytogenetic location: Xp11.4.
Variant type: single nucleotide variant.
Coding change: c.168+3A>G on transcript NM_005765.3 (MANE Select); 3 bases into the intron after coding-DNA position 168, A replaced by G.
Molecular consequence: intron variant.
Genome position (GRCh38, 1-based): chrX:40,589,119, A>G. VCF-style: chrX-40589119-A-G. GRCh37 (hg19) VCF-style: chrX-40448371-A-G.
Identifiers: ClinVar variation 2711281 (VCV002711281.3), dbSNP rs2518960267, ClinGen allele CA2697553062.